The following is an entry in ClinVar:

NM_001018005.2(TPM1):c.852A>T (p.Ile284=)

Gene: TPM1 (tropomyosin 1; plus strand). Cytogenetic location: 15q22.2.
Variant type: single nucleotide variant.
Coding change: c.852A>T on transcript NM_001018005.2 (MANE Select); coding-DNA position 852, A replaced by T.
Protein change: p.Ile284=; no amino-acid change (isoleucine 284 retained).
Molecular consequence: synonymous variant. On other transcripts: 3 prime UTR variant (4), missense variant (2), intron variant (10).
Genome position (GRCh38, 1-based): chr15:63,065,896, A>T. VCF-style: chr15-63065896-A-T. GRCh37 (hg19) VCF-style: chr15-63358095-A-T.
Other names: c.*45A>T (NM_000366.6, NM_001365779.1); c.852A>T, p.Ile284= (NM_001301244.2); c.744A>T, p.Ile248= (NM_001330346.2); c.773A>T, p.Asp258Val (NM_001365777.1); c.665A>T, p.Asp222Val (NM_001365780.1); c.*1750A>T (NM_001365781.2, NM_001365782.1); c.898+3251A>T (NM_001365778.1); c.772+3251A>T (NM_001018020.2, NM_001018007.2, NM_001018006.2 and 2 more transcripts); and 1 more; short protein forms D222V, D258V.
Identifiers: ClinVar variation 925275 (VCV000925275.11), dbSNP rs759481997, ClinGen allele CA032875.

ClinVar aggregate classification (germline): Conflicting classifications of pathogenicity. Review status: criteria provided, conflicting classifications (1 of 4 stars). 5 submissions from 5 submitters: Uncertain significance (2); Likely benign (3). Last evaluated 2026-09-21.

Conditions:
Cardiomyopathy (CMYO). Also called: Cardiomyopathies. Identifiers: Orphanet 167848, MedGen C0878544, MONDO:0004994, HP:0001638. Inheritance: Various modes of inheritance.
Hypertrophic cardiomyopathy. Also called: HYPERTROPHIC MYOCARDIOPATHY. Identifiers: Orphanet 217569, MedGen C0007194, MeSH D002312, MONDO:0005045, HP:0001639.
Cardiovascular phenotype. Identifiers: MedGen CN230736.

Allele frequency attached by ClinVar (database versions not stated): TOPMed below 0.00001; ExAC 0.00001.
gnomAD v4.1: 20 of 1,603,140 alleles (0.0012%); highest among the groups gnomAD compares: Non-Finnish European, 0.0015%; no homozygotes.

Submissions (5):

Molecular Diagnostic Laboratory for Inherited Cardiovascular Disease, Montreal Heart Institute
Classification: Likely benign. Last evaluated: 2026-09-21. Review status: criteria provided, single submitter. Criteria: ACMG Guidelines, 2015. Collection method: clinical testing. Allele origin: germline. Affected: no.
Comment: PM2;BP7

Ambry Genetics
Classification: Uncertain significance for Cardiovascular phenotype. Last evaluated: 2025-01-22. Review status: criteria provided, single submitter. Criteria: Ambry Variant Classification Scheme 2023. Collection method: clinical testing. Allele origin: germline.
Comment: The c.852A>T variant (also known as p.I284I), located in coding exon 10 of the TPM1 gene, results from an A to T substitution at nucleotide position 852. This nucleotide substitution does not change the isoleucine at codon 284. This nucleotide position is highly conserved in available vertebrate species. In silico splice site analysis for this alteration is inconclusive. Since supporting evidence is limited at this time, the clinical significance of this alteration remains unclear.

All of Us Research Program, National Institutes of Health
Classification: Likely benign for Hypertrophic cardiomyopathy. Last evaluated: 2023-12-13. Review status: criteria provided, single submitter. Criteria: ACMG Guidelines, 2015. Collection method: clinical testing. Allele origin: germline. Inheritance: Autosomal dominant inheritance. Observed: 2 variant alleles, 2 heterozygotes.
Comment: This study involves interpretation of variants in research participants for the purpose of population health screening. Participant phenotype was not available at the time of variant classification. Additional details can be found in publication PMID: 35346344, PMCID: PMC8962531

Labcorp Genetics (formerly Invitae), Labcorp
Classification: Uncertain significance for Hypertrophic cardiomyopathy. Last evaluated: 2022-11-04. Review status: criteria provided, single submitter. Criteria: Invitae Variant Classification Sherloc (09022015). Collection method: clinical testing. Allele origin: germline.
Comment: This sequence change affects codon 284 of the TPM1 mRNA. It is a 'silent' change, meaning that it does not change the encoded amino acid sequence of the TPM1 protein. It affects a nucleotide within the consensus splice site. The frequency data for this variant in the population databases is considered unreliable, as metrics indicate poor data quality at this position in the gnomAD database. This variant has not been reported in the literature in individuals affected with TPM1-related conditions. ClinVar contains an entry for this variant (Variation ID: 925275). Algorithms developed to predict the effect of sequence changes on RNA splicing suggest that this variant may disrupt the consensus splice site. In summary, the available evidence is currently insufficient to determine the role of this variant in disease. Therefore, it has been classified as a Variant of Uncertain Significance.

Color Diagnostics, LLC DBA Color Health
Classification: Likely benign for Cardiomyopathy. Last evaluated: 2018-11-27. Review status: criteria provided, single submitter. Criteria: ACMG Guidelines, 2015. Collection method: clinical testing. Allele origin: germline.